The following is an entry in ClinVar:

ClinVar aggregate classification (germline): Uncertain significance (1 of 4 stars; one submission).

Submission:

CeGaT Center for Human Genetics Tuebingen
Classification: Uncertain significance. Last evaluated: 2025-03-01. Review status: criteria provided, single submitter. Criteria: CeGaT Center For Human Genetics Tuebingen Variant Classification Criteria Version 2. Collection method: clinical testing. Allele origin: germline. Affected: yes. Observed: 1 variant allele.
Comment: DIP2C: PM2

NM_014974.3(DIP2C):c.1816C>G (p.Gln606Glu)

Gene: DIP2C (DIP2 acetate--CoA ligase C (putative); minus strand). Cytogenetic location: 10p15.3.
Variant type: single nucleotide variant.
Coding change: c.1816C>G on transcript NM_014974.3 (MANE Select); coding-DNA position 1816, C replaced by G.
Protein change: p.Gln606Glu; replaces glutamine 606 with glutamic acid.
Molecular consequence: missense variant.
Genome position (GRCh38, 1-based): chr10:384,087, G>C on the plus strand (C>G on the coding strand, the complement: DIP2C is on the minus strand). VCF-style: chr10-384087-G-C. GRCh37 (hg19) VCF-style: chr10-430027-G-C.
Other names: short protein forms Q606E.
Identifiers: ClinVar variation 3778454 (VCV003778454.7).